The following is an entry in ClinVar:

ClinVar aggregate classification (germline): Uncertain significance. Review status: criteria provided, multiple submitters, no conflicts (2 of 4 stars). 2 submissions from 2 submitters: Uncertain significance (2). Last evaluated 2025-04-10.

Conditions:
O'Donnell-Luria-Rodan syndrome (ODLURO). Also called: KMT2E-Related Neurodevelopmental Disorder. Identifiers: MedGen C5193138, MONDO:0032793, OMIM 618512.

Submissions (2):

Labcorp Genetics (formerly Invitae), Labcorp
Classification: Uncertain significance. Last evaluated: 2025-04-10. Review status: criteria provided, single submitter. Criteria: Invitae Variant Classification Sherloc (09022015). Collection method: clinical testing. Allele origin: germline.
Comment: This variant, c.708_710del, results in the deletion of 1 amino acid(s) of the KMT2E protein (p.Gln236del), but otherwise preserves the integrity of the reading frame. This variant is present in population databases (no rsID available, gnomAD 0.03%). This variant has not been reported in the literature in individuals affected with KMT2E-related conditions. Experimental studies and prediction algorithms are not available or were not evaluated, and the functional significance of this variant is currently unknown. In summary, the available evidence is currently insufficient to determine the role of this variant in disease. Therefore, it has been classified as a Variant of Uncertain Significance.

New York Genome Center
Classification: Uncertain significance for O'Donnell-Luria-Rodan syndrome. Last evaluated: 2020-02-11. Review status: criteria provided, single submitter. Criteria: NYGC Assertion Criteria 2020. Collection method: clinical testing. Allele origin: germline. Observed: 1 heterozygote. Study: CSER-NYCKidSeq.
Comment: The c.708_710del (p.Gln236del) variant identified in the KMT2E gene is a three-nucleotide deletion which results in the in-frame deletion of a single highly conserved Glutamine (amino acid 236/1859) in coding exon 7/26. The p.Gln236 residue is not within a mapped domain of KMT2E (UniprotKB:Q8IZD2). This variant is found with low frequency in gnomAD (3 heterozygotes, 0 homozygotes; allele frequency: 9.57e-5) suggesting it is not a common benign variant in the populations represented in this database. In silico algorithms predict this variant to be Damaging (Provean; score: -4.83) to the function of the canonical transcript. This variant is absent from ClinVar and to our current knowledge has not been reported in affected individuals in the literature. Given the lack of compelling evidence for its pathogenicity, the c.708_710del (p.Gln236del) variant is reported here as a Variant of Uncertain Significance.

NM_182931.3(KMT2E):c.705ACA[1] (p.Gln236del)

Gene: KMT2E (lysine methyltransferase 2E (inactive); plus strand). Cytogenetic location: 7q22.3.
Variant type: Microsatellite.
Coding change: c.705ACA[1] on transcript NM_182931.3 (MANE Select); one copy of the 3-base unit ACA starting at c.705; the reference has two copies in a row; one copy, 3 bases deleted.
Protein change: p.Gln236del; deletes glutamine 236.
Molecular consequence: inframe deletion.
Genome position (GRCh38, 1-based): chr7:105,074,794-105,074,796, ACA deleted; deleting any 3 consecutive bases within chr7:105,074,790-105,074,796 gives the same sequence; the position shown is the placement nearest the transcript's 3' end. VCF-style (leftmost placement, unchanged base first): chr7-105074789-GAAC-G. GRCh37 (hg19) VCF-style: chr7-104715236-GAAC-G.
Other names: c.705ACA[1], p.Gln236del (NM_018682.4); short protein forms Q236del.
Identifiers: ClinVar variation 983405 (VCV000983405.7), dbSNP rs1206063396, ClinGen allele CA457033856.